The following is an entry in ClinVar:

ClinVar aggregate classification (germline): Uncertain significance. Review status: criteria provided, multiple submitters, no conflicts (2 of 4 stars). 3 submissions from 3 submitters: Uncertain significance (3). Last evaluated 2022-06-22.

Conditions:
Familial hemophagocytic lymphohistiocytosis 3 (FHL3). Also called: UNC13D-Related Familial Hemophagocytic Lymphohistiocytosis (UNC13D-fHLH). Identifiers: Orphanet 540, MedGen C1837174, MONDO:0012146, OMIM 608898.

Allele frequency attached by ClinVar (database versions not stated): gnomAD exomes 0.00002 and 0.00006; gnomAD 0.00004 and 0.00005; TOPMed 0.00005; ExAC 0.00006; 1000 Genomes Project 0.00020; 1000 Genomes Project 30x 0.00031.

Submissions (3):

Labcorp Genetics (formerly Invitae), Labcorp
Classification: Uncertain significance for Familial hemophagocytic lymphohistiocytosis 3. Last evaluated: 2022-06-22. Review status: criteria provided, single submitter. Criteria: Invitae Variant Classification Sherloc (09022015). Collection method: clinical testing. Allele origin: germline.
Comment: This sequence change replaces histidine, which is basic and polar, with arginine, which is basic and polar, at codon 201 of the UNC13D protein (p.His201Arg). This variant is present in population databases (rs200033170, gnomAD 0.09%). This missense change has been observed in individual(s) with hemophagocytic lymphohistiocytosis (PMID: 29665027). ClinVar contains an entry for this variant (Variation ID: 641942). Algorithms developed to predict the effect of missense changes on protein structure and function output the following: SIFT: "Not Available"; PolyPhen-2: "Benign"; Align-GVGD: "Not Available". The arginine amino acid residue is found in multiple mammalian species, which suggests that this missense change does not adversely affect protein function. In summary, the available evidence is currently insufficient to determine the role of this variant in disease. Therefore, it has been classified as a Variant of Uncertain Significance.

Blueprint Genetics
Classification: Uncertain significance. Last evaluated: 2022-06-14. Review status: criteria provided, single submitter. Criteria: ACMG Guidelines, 2015. Collection method: clinical testing. Allele origin: germline.

Juno Genomics, Hangzhou Juno Genomics, Inc
Classification: Uncertain significance for Familial hemophagocytic lymphohistiocytosis 3. Review status: criteria provided, single submitter. Criteria: ACMG Guidelines, 2015. Collection method: clinical testing. Allele origin: germline.
Comment: Absent from controls (or at extremely low frequency if recessive) in Genome Aggregation Database.

Literature cited by the submitters: PubMed 29665027 (cited by Labcorp Genetics (formerly Invitae), Labcorp).

NM_199242.3(UNC13D):c.602A>G (p.His201Arg)

Gene: UNC13D (unc-13 homolog D; minus strand). Cytogenetic location: 17q25.1.
Variant type: single nucleotide variant.
Coding change: c.602A>G on transcript NM_199242.3 (MANE Select); coding-DNA position 602, A replaced by G.
Protein change: p.His201Arg; replaces histidine 201 with arginine.
Molecular consequence: missense variant.
Genome position (GRCh38, 1-based): chr17:75,840,969, T>C on the plus strand (A>G on the coding strand, the complement: UNC13D is on the minus strand). VCF-style: chr17-75840969-T-C. GRCh37 (hg19) VCF-style: chr17-73837050-T-C.
Other names: short protein forms H201R.
Identifiers: ClinVar variation 641942 (VCV000641942.9), dbSNP rs200033170, ClinGen allele CA8773401.